The following is an entry in ClinVar:

ClinVar aggregate classification (germline): Uncertain significance. Review status: criteria provided, multiple submitters, no conflicts (2 of 4 stars). 2 submissions from 2 submitters: Uncertain significance (2). Last evaluated 2023-03-30.

Conditions:
Beta-D-mannosidosis (MANSB). Also called: Beta-Mannosidosis; MANNOSIDOSIS, BETA A, LYSOSOMAL; BETA-MANNOSIDASE DEFICIENCY; LYSOSOMAL BETA-MANNOSIDASE DEFICIENCY. Identifiers: Orphanet 118, MedGen C4048196, MONDO:0009562, OMIM 248510.

Allele frequency attached by ClinVar (database versions not stated): gnomAD exomes below 0.00001 and 0.00001; gnomAD 0.00001; TOPMed 0.00001.
gnomAD v4.1: 10 of 1,613,982 alleles (0.00062%); highest among the groups gnomAD compares: Non-Finnish European, 0.00085%; no homozygotes.

Submissions (2):

Blueprint Genetics
Classification: Uncertain significance. Last evaluated: 2023-03-30. Review status: criteria provided, single submitter. Criteria: ACMG Guidelines, 2015. Collection method: clinical testing. Allele origin: germline.

Labcorp Genetics (formerly Invitae), Labcorp
Classification: Uncertain significance for Beta-D-mannosidosis. Last evaluated: 2021-08-07. Review status: criteria provided, single submitter. Criteria: Invitae Variant Classification Sherloc (09022015). Collection method: clinical testing. Allele origin: germline.
Comment: This sequence change replaces glutamic acid with lysine at codon 643 of the MANBA protein (p.Glu643Lys). The glutamic acid residue is moderately conserved and there is a small physicochemical difference between glutamic acid and lysine. This variant is not present in population databases (ExAC no frequency). This variant has not been reported in the literature in individuals affected with MANBA-related conditions. Algorithms developed to predict the effect of missense changes on protein structure and function (SIFT, PolyPhen-2, Align-GVGD) all suggest that this variant is likely to be tolerated. In summary, the available evidence is currently insufficient to determine the role of this variant in disease. Therefore, it has been classified as a Variant of Uncertain Significance.

NM_005908.4(MANBA):c.1927G>A (p.Glu643Lys)

Gene: MANBA (mannosidase beta; minus strand). Cytogenetic location: 4q24.
Variant type: single nucleotide variant.
Coding change: c.1927G>A on transcript NM_005908.4 (MANE Select); coding-DNA position 1927, G replaced by A.
Protein change: p.Glu643Lys; replaces glutamic acid 643 with lysine.
Molecular consequence: missense variant.
Genome position (GRCh38, 1-based): chr4:102,639,800, C>T on the plus strand (G>A on the coding strand, the complement: MANBA is on the minus strand). VCF-style: chr4-102639800-C-T. GRCh37 (hg19) VCF-style: chr4-103560957-C-T.
Other names: short protein forms E643K.
Identifiers: ClinVar variation 1462457 (VCV001462457.4), dbSNP rs1167564128, ClinGen allele CA357757627.
Genomic context (GRCh38, chr4:102,639,800, plus strand): 5'-AGATGTCATTCAACTGCCAATAAAGTGCCCCCATCGTGTGCCCTTGCTGATCCACTATCT[C>T]GCTGCGACTACGGCGGTAGAATTCAGTTTCTGTTTTGACACACTGGGCCTGCATCACCTG-3'
Protein context (NP_005899.3, residues 633-653): ETEFYRRSRS[Glu643Lys]IVDQQGHTMG